The following is an entry in ClinVar:

ClinVar aggregate classification (germline): Likely pathogenic (1 of 4 stars; one submission).

Conditions:
Dilated cardiomyopathy 1G (CMD1G). Identifiers: Orphanet 154, MedGen C1858763, MONDO:0011400, OMIM 604145.
Autosomal recessive limb-girdle muscular dystrophy type 2J (LGMDR10). Also called: Limb-girdle muscular dystrophy, type 2J; MUSCULAR DYSTROPHY, LIMB-GIRDLE, AUTOSOMAL RECESSIVE 10. Identifiers: Orphanet 140922, MedGen C1837342, MONDO:0012127, OMIM 608807.

Submission:

Labcorp Genetics (formerly Invitae), Labcorp
Classification: Likely pathogenic for Dilated cardiomyopathy 1G; Autosomal recessive limb-girdle muscular dystrophy type 2J. Last evaluated: 2024-10-28. Review status: criteria provided, single submitter. Criteria: Invitae Variant Classification Sherloc (09022015). Collection method: clinical testing. Allele origin: germline.
Comment: This sequence change creates a premature translational stop signal (p.Ser2383Metfs*7) in the TTN gene. While this is not anticipated to result in nonsense mediated decay, it is expected to create a truncated TTN protein. This variant is not present in population databases (gnomAD no frequency). This variant has not been reported in the literature in individuals affected with TTN-related conditions. ClinVar contains an entry for this variant (Variation ID: 404753). This variant is located in the I band of TTN (PMID: 25589632). Truncating variants in this region have been reported in individuals affected with autosomal recessive centronuclear myopathy (PMID: 23975875, internal data). Truncating variants in this region have also been identified in individuals affected with autosomal dominant dilated cardiomyopathy and/or cardio-related conditions (PMID: 27869827, 32964742, internal data). In summary, the currently available evidence indicates that the variant is pathogenic, but additional data are needed to prove that conclusively. Therefore, this variant has been classified as Likely Pathogenic.

Literature cited by the submitters: PubMed 25589632; PubMed 23975875; PubMed 27869827; PubMed 32964742.

NM_001267550.2(TTN):c.7148del (p.Ser2383fs)

Genes: TTN (titin; minus strand), LOC126806433 (BRD4-independent group 4 enhancer GRCh37_chr2:179638309-179639508; plus strand). Cytogenetic location: 2q31.2.
Variant type: Deletion.
Coding change: c.7148del on transcript NM_001267550.2 (MANE Select); coding-DNA position 7148, one base deleted (G; older notation c.7148delG).
Protein change: p.Ser2383fs; shifts the reading frame from serine 2383.
Molecular consequence: frameshift variant.
Genome position (GRCh38, 1-based): chr2:178,774,020, C deleted on the plus strand (G on the coding strand, the reverse complement: TTN is on the minus strand). VCF-style (leftmost placement, unchanged base first): chr2-178774019-AC-A. GRCh37 (hg19) VCF-style: chr2-179638746-AC-A.
Other names: c.7148delG (NM_001267550.2); c.7148del, p.Ser2383fs (NM_001256850.1, NM_133378.4, NM_133379.5); c.7010del, p.Ser2337fs (NM_003319.4, NM_133432.3, NM_133437.4); short protein forms S2337fs, S2383fs.
Identifiers: ClinVar variation 404753 (VCV000404753.12), dbSNP rs1060500437, ClinGen allele CA16610557.
Genomic context (GRCh38, chr2:178,774,019, plus strand): 5'-AATGTGAACCCTGTCACTGGGCTGCACTTCTTGGCCGTCTTTCATCCAGACGCCTTCCAC[AC>A]TTTCCAAGGAGACTTTAACTTCAAGCTGAACAATGTCACCCTCACAGACTTTTTGGTCAC-3'